The following is an entry in ClinVar:

NM_015160.3(PMPCA):c.114C>T (p.Ala38=)

Gene: PMPCA (peptidase, mitochondrial processing subunit alpha; plus strand). Cytogenetic location: 9q34.3.
Variant type: single nucleotide variant.
Coding change: c.114C>T on transcript NM_015160.3 (MANE Select); coding-DNA position 114, C replaced by T.
Protein change: p.Ala38=; no amino-acid change (alanine 38 retained).
Molecular consequence: synonymous variant. On other transcripts: 5 prime UTR variant (2).
Genome position (GRCh38, 1-based): chr9:136,412,039, C>T. VCF-style: chr9-136412039-C-T. GRCh37 (hg19) VCF-style: chr9-139306491-C-T.
Other names: c.114C>T (NM_015160.2); c.-185C>T (NM_001282944.2, NM_001282946.2).
Identifiers: ClinVar variation 1176585 (VCV001176585.41), dbSNP rs760602848, ClinGen allele CA5335856.
Genomic context (GRCh38, chr9:136,412,039, plus strand): 5'-CCGCTTTCTCTGTTTTAGGTTTGGACCTCCTGCGTACAGACGGTTTAGTAGTGGTGGTGC[C>T]TATCCCAACATCCCCCTCTCTTCTCCCTTACCTGGAGTACCCAAGCCTGTTTTTGCTACA-3'
Protein context (NP_055975.1, residues 28-48): PAYRRFSSGG[Ala38=]YPNIPLSSPL

ClinVar aggregate classification (germline): Likely benign. Review status: criteria provided, multiple submitters, no conflicts (2 of 4 stars). 3 submissions from 3 submitters: Likely benign (2). 1 of the submissions does not count toward it. Last evaluated 2026-01-01.

Conditions:
PMPCA-related disorder. Also called: PMPCA-related condition.

Allele frequency attached by ClinVar (database versions not stated): ExAC 0.00007; gnomAD exomes 0.00008 and 0.00009; gnomAD 0.00009; TOPMed 0.00009.
gnomAD v4.1: 142 of 1,613,284 alleles (0.0088%); highest among the groups gnomAD compares: Non-Finnish European, 0.011%; no homozygotes.

Submissions (3):

CeGaT Center for Human Genetics Tuebingen
Classification: Likely benign. Last evaluated: 2026-01-01. Review status: criteria provided, single submitter. Criteria: CeGaT Center For Human Genetics Tuebingen Variant Classification Criteria Version 2. Collection method: clinical testing. Allele origin: germline. Affected: yes. Observed: 3 variant alleles.
Comment: PMPCA: BP4, BP7

Labcorp Genetics (formerly Invitae), Labcorp
Classification: Likely benign. Last evaluated: 2025-10-23. Review status: criteria provided, single submitter. Criteria: Invitae Variant Classification Sherloc (09022015). Collection method: clinical testing. Allele origin: germline.

PreventionGenetics, part of Exact Sciences
Classification: Likely benign for PMPCA-related condition. Last evaluated: 2019-04-08. Review status: no assertion criteria provided. Collection method: clinical testing. Allele origin: germline. Not counted in ClinVar's aggregate classification.
Comment: This variant is classified as likely benign based on ACMG/AMP sequence variant interpretation guidelines (Richards et al. 2015 PMID: 25741868, with internal and published modifications).